The following is an entry in ClinVar:

ClinVar aggregate classification (germline): Pathogenic (1 of 4 stars; one submission).

Conditions:
Primary ciliary dyskinesia. Also called: Ciliary dyskinesia. Identifiers: Orphanet 244, MedGen C0008780, MONDO:0016575, HP:0012265.
Primary ciliary dyskinesia 7. Also called: CILIARY DYSKINESIA, PRIMARY, 7, WITH OR WITHOUT SITUS INVERSUS. Identifiers: Orphanet 244, MedGen C2678473, MONDO:0012748, OMIM 611884.

Submission:

Labcorp Genetics (formerly Invitae), Labcorp
Classification: Pathogenic for Primary ciliary dyskinesia. Last evaluated: 2023-03-08. Review status: criteria provided, single submitter. Criteria: Invitae Variant Classification Sherloc (09022015). Collection method: clinical testing. Allele origin: germline.
Comment: This variant is not present in population databases (gnomAD no frequency). This sequence change creates a premature translational stop signal (p.Ile3764Alafs*32) in the DNAH11 gene. It is expected to result in an absent or disrupted protein product. Loss-of-function variants in DNAH11 are known to be pathogenic (PMID: 18022865, 20513915, 22184204). This variant has not been reported in the literature in individuals affected with DNAH11-related conditions. For these reasons, this variant has been classified as Pathogenic. ClinVar contains an entry for this variant (Variation ID: 582081).

Literature cited by the submitters: PubMed 18022865 (cited by Labcorp Genetics (formerly Invitae), Labcorp); PubMed 20513915 (cited by Labcorp Genetics (formerly Invitae), Labcorp); PubMed 22184204 (cited by Labcorp Genetics (formerly Invitae), Labcorp).

NM_001277115.2(DNAH11):c.11288_11289dup (p.Ile3764fs)

Gene: DNAH11 (dynein axonemal heavy chain 11; plus strand). Cytogenetic location: 7p15.3.
Variant type: Duplication.
Coding change: c.11288_11289dup on transcript NM_001277115.2 (MANE Select); coding-DNA positions 11288 to 11289, 2 bases duplicated (GC; older notation c.11288_11289dupGC).
Protein change: p.Ile3764fs; shifts the reading frame from isoleucine 3764.
Molecular consequence: frameshift variant.
Genome position (GRCh38, 1-based): chr7:21,861,938-21,861,939, GC duplicated. VCF-style (leftmost placement, unchanged base first): chr7-21861937-A-AGC. GRCh37 (hg19) VCF-style: chr7-21901555-A-AGC.
Other names: c.11288_11289dupGC (NM_001277115.1); short protein forms I3764fs.
Identifiers: ClinVar variation 582081 (VCV000582081.9), dbSNP rs1562590250, ClinGen allele CA891842899.
Genomic context (GRCh38, chr7:21,861,937, plus strand): 5'-GCGATCGAGCAGGCTGACAAGGTGGAAGACATGCAGGGACGCATCTCTATCCTGATGGAG[A>AGC]GCATCACCCATGCTGTCTTCCTCTACACCAGCCAGGCGCTGTTTGAGAAGGACAAGCTCA-3'